The following is an entry in ClinVar:

ClinVar aggregate classification (germline): Uncertain significance. Review status: criteria provided, single submitter (1 of 4 stars). 2 submissions from 2 submitters: Uncertain significance (1). 1 of the submissions does not count toward it. Last evaluated 2024-08-31.

Conditions:
SEMA3E-related disorder. Also called: SEMA3E-related condition.
CHARGE syndrome (CHARGE). Also called: Hittner Hirsch Kreh syndrome; CHARGE ASSOCIATION--COLOBOMA, HEART ANOMALY, CHOANAL ATRESIA, RETARDATION, GENITAL AND EAR ANOMALIES; Coloboma, heart anomaly, choanal atresia, retardation, genital and ear anomalies; CHARGE association; Hall-Hittner syndrome. Identifiers: Orphanet 138, MedGen C0265354, MONDO:0008965.

Allele frequency attached by ClinVar (database versions not stated): ExAC 0.00002; gnomAD 0.00005; ESP Exome Variant Server 0.00008.
gnomAD v4.1: 23 of 1,612,484 alleles (0.0014%); highest among the groups gnomAD compares: African/African-American, 0.011%; no homozygotes.

Submissions (2):

Labcorp Genetics (formerly Invitae), Labcorp
Classification: Uncertain significance for CHARGE syndrome. Last evaluated: 2024-08-31. Review status: criteria provided, single submitter. Criteria: Invitae Variant Classification Sherloc (09022015). Collection method: clinical testing. Allele origin: germline.
Comment: This sequence change affects codon 311 of the SEMA3E mRNA. It is a 'silent' change, meaning that it does not change the encoded amino acid sequence of the SEMA3E protein. This variant is present in population databases (rs376834739, gnomAD 0.008%). This variant has not been reported in the literature in individuals affected with SEMA3E-related conditions. Algorithms developed to predict the effect of sequence changes on RNA splicing suggest that this variant may disrupt the consensus splice site. In summary, the available evidence is currently insufficient to determine the role of this variant in disease. Therefore, it has been classified as a Variant of Uncertain Significance.

PreventionGenetics, part of Exact Sciences
Classification: Likely benign for SEMA3E-related condition. Last evaluated: 2019-05-30. Review status: no assertion criteria provided. Collection method: clinical testing. Allele origin: germline. Not counted in ClinVar's aggregate classification.
Comment: This variant is classified as likely benign based on ACMG/AMP sequence variant interpretation guidelines (Richards et al. 2015 PMID: 25741868, with internal and published modifications).

NM_012431.3(SEMA3E):c.933C>T (p.Asp311=)

Gene: SEMA3E (semaphorin 3E; minus strand). Cytogenetic location: 7q21.11.
Variant type: single nucleotide variant.
Coding change: c.933C>T on transcript NM_012431.3 (MANE Select); coding-DNA position 933, C replaced by T.
Protein change: p.Asp311=; no amino-acid change (aspartic acid 311 retained).
Molecular consequence: synonymous variant.
Genome position (GRCh38, 1-based): chr7:83,405,515, G>A on the plus strand (C>T on the coding strand, the complement: SEMA3E is on the minus strand). VCF-style: chr7-83405515-G-A. GRCh37 (hg19) VCF-style: chr7-83034831-G-A.
Other names: c.753C>T, p.Asp251= (NM_001178129.2).
Identifiers: ClinVar variation 3044930 (VCV003044930.4), dbSNP rs376834739, ClinGen allele CA4322157.
Genomic context (GRCh38, chr7:83,405,515, plus strand): 5'-AGTGTTAAAGAGTCCAAATATCACTGGATTCTTATGATCTCTGGTAGGTAGCAAAAAAAC[G>A]TCCTCTGAAAAATTAAAGGCCATTCCATCGCTTAGTATTTTTAGCTCTCTTTGCATGCAA-3'
Protein context (NP_036563.1, residues 301-321): GIDTYFDELE[Asp311=]VFLLPTRDHK